The following is an entry in ClinVar:

ClinVar aggregate classification (germline): Uncertain significance (1 of 4 stars; one submission).

Conditions:
RYR1-related disorder. Also called: RYR1-related condition; RYR1-related disorders. Identifiers: MedGen CN239331.

Submission:

Labcorp Genetics (formerly Invitae), Labcorp
Classification: Uncertain significance for RYR1-related disorder. Last evaluated: 2021-08-02. Review status: criteria provided, single submitter. Criteria: Invitae Variant Classification Sherloc (09022015). Collection method: clinical testing. Allele origin: germline.
Comment: This variant is not present in population databases (ExAC no frequency). This sequence change replaces arginine with proline at codon 4645 of the RYR1 protein (p.Arg4645Pro). The arginine residue is moderately conserved and there is a moderate physicochemical difference between arginine and proline. This variant has not been reported in the literature in individuals with RYR1-related conditions. Advanced modeling of protein sequence and biophysical properties (such as structural, functional, and spatial information, amino acid conservation, physicochemical variation, residue mobility, and thermodynamic stability) performed at Invitae indicates that this missense variant is expected to disrupt RYR1 protein function. In summary, the available evidence is currently insufficient to determine the role of this variant in disease. Therefore, it has been classified as a Variant of Uncertain Significance.

NM_000540.3(RYR1):c.13934G>C (p.Arg4645Pro)

Gene: RYR1 (ryanodine receptor 1; plus strand). Cytogenetic location: 19q13.2.
Variant type: single nucleotide variant.
Coding change: c.13934G>C on transcript NM_000540.3 (MANE Select); coding-DNA position 13934, G replaced by C.
Protein change: p.Arg4645Pro; replaces arginine 4645 with proline.
Molecular consequence: missense variant.
Genome position (GRCh38, 1-based): chr19:38,572,206, G>C. VCF-style: chr19-38572206-G-C. GRCh37 (hg19) VCF-style: chr19-39062846-G-C.
Other names: c.13919G>C, p.Arg4640Pro (NM_001042723.2); short protein forms R4640P, R4645P.
Identifiers: ClinVar variation 1495160 (VCV001495160.8), dbSNP rs193922860, ClinGen allele CA405681193.